The following is an entry in ClinVar:

ClinVar aggregate classification (germline): Uncertain significance. Review status: criteria provided, multiple submitters, no conflicts (2 of 4 stars). 2 submissions from 2 submitters: Uncertain significance (2). Last evaluated 2024-08-22.

Conditions:
Cerebrooculofacioskeletal syndrome 4 (COFS4). Identifiers: MedGen C1853100, MONDO:0012554, OMIM 610758.

Allele frequency attached by ClinVar (database versions not stated): gnomAD 0.00001; gnomAD exomes 0.00001; TOPMed 0.00002.
gnomAD v4.1: 21 of 1,598,488 alleles (0.0013%); highest among the groups gnomAD compares: Admixed American, 0.028%; no homozygotes.

Submissions (2):

Molecular Genetics and NGS Laboratory, Hospital Fundacion Valle Del Lili
Classification: Uncertain significance for Cerebrooculofacioskeletal syndrome 4. Last evaluated: 2024-08-22. Review status: criteria provided, single submitter. Criteria: ACMG Guidelines, 2015. Collection method: clinical testing. Allele origin: germline. Affected: yes. Observed: 1 variant allele.
Comment: MetaRNN = 0.969 is greater than 0.939 ⇒ strong pathogenic (PP3). GnomAD genomes homozygous allele count = 0 is less than 2 for AR gene ERCC1. GnomAD exomes homozygous allele count = 0 is less than 2 for AR gene ERCC1 (PM2). 4 out of 6 non-VUS missense variants in gene ERCC1 are benign = 66.7% which is more than threshold of 56.9% (BP1).

Baylor Genetics
Classification: Uncertain significance for Cerebrooculofacioskeletal syndrome 4. Last evaluated: 2021-05-28. Review status: criteria provided, single submitter. Criteria: ACMG Guidelines, 2015. Collection method: clinical testing. Allele origin: unknown.

NM_001983.4(ERCC1):c.467G>A (p.Arg156Gln)

Gene: ERCC1 (ERCC excision repair 1, endonuclease non-catalytic subunit; minus strand). Cytogenetic location: 19q13.32.
Variant type: single nucleotide variant.
Coding change: c.467G>A on transcript NM_001983.4 (MANE Select); coding-DNA position 467, G replaced by A.
Protein change: p.Arg156Gln; replaces arginine 156 with glutamine.
Molecular consequence: missense variant.
Genome position (GRCh38, 1-based): chr19:45,419,156, C>T on the plus strand (G>A on the coding strand, the complement: ERCC1 is on the minus strand). VCF-style: chr19-45419156-C-T. GRCh37 (hg19) VCF-style: chr19-45922414-C-T.
Other names: p.Arg156Gln; c.467G>A, p.Arg156Gln (NM_001166049.2, NM_001369408.1, NM_001369409.1 and 11 more transcripts); short protein forms R156Q.
Identifiers: ClinVar variation 2442006 (VCV002442006.3), dbSNP rs201089019, ClinGen allele CA308944028.